The following is an entry in ClinVar:

NM_194454.3(KRIT1):c.2064G>A (p.Trp688Ter)

Gene: KRIT1 (KRIT1 ankyrin repeat containing; minus strand). Cytogenetic location: 7q21.2.
Variant type: single nucleotide variant.
Coding change: c.2064G>A on transcript NM_194454.3 (MANE Select); coding-DNA position 2064, G replaced by A.
Protein change: p.Trp688Ter; replaces tryptophan 688 with a stop codon.
Molecular consequence: nonsense.
Genome position (GRCh38, 1-based): chr7:92,201,385, C>T on the plus strand (G>A on the coding strand, the complement: KRIT1 is on the minus strand). VCF-style: chr7-92201385-C-T. GRCh37 (hg19) VCF-style: chr7-91830699-C-T.
Other names: c.1920G>A, p.Trp640Ter (NM_001013406.2, NM_001350669.1, NM_001350670.1); c.1350G>A, p.Trp450Ter (NM_001350671.1); c.2064G>A, p.Trp688Ter (NM_001350672.1, NM_001350673.1, NM_001350674.1 and 26 more transcripts); short protein forms W450*, W640*, W688*.
Identifiers: ClinVar variation 1451895 (VCV001451895.9), dbSNP rs2131088953, ClinGen allele CA368166865.

ClinVar aggregate classification (germline): Pathogenic. Review status: criteria provided, multiple submitters, no conflicts (2 of 4 stars). 2 submissions from 2 submitters: Pathogenic (2). Last evaluated 2025-08-26.

Conditions:
Cerebral cavernous malformation (CCM). Also called: CAVERNOUS ANGIOMA, FAMILIAL; CAVERNOUS ANGIOMATOUS MALFORMATIONS; CEREBRAL CAPILLARY MALFORMATIONS; Cerebral cavernous hemangioma (type); Cerebral cavernous malformations; Cavernous Hemangioma of Brain. Identifiers: Orphanet 221061, MedGen C2919945, MONDO:0000820, OMIM 116860, HP:0033522.

Submissions (2):

Dasa
Classification: Pathogenic. Last evaluated: 2025-08-26. Review status: criteria provided, single submitter. Criteria: DASA Assertion Criteria. Collection method: clinical testing. Allele origin: germline.
Comment: NM_194454.3(KRIT1):c.2064G>A (p.Trp688*) introduces a premature termination codon predicted to result in loss of normal protein function. Loss-of-function is an established mechanism of disease for this gene. This variant has been reported in individuals with related phenotype (PMID: 19099113). The variant is present at low frequency in population datasets. Based on the available data, this variant is classified as pathogenic.

Labcorp Genetics (formerly Invitae), Labcorp
Classification: Pathogenic for Cerebral cavernous malformation. Last evaluated: 2021-03-14. Review status: criteria provided, single submitter. Criteria: Invitae Variant Classification Sherloc (09022015). Collection method: clinical testing. Allele origin: germline.
Comment: For these reasons, this variant has been classified as Pathogenic. This variant has been observed in individual(s) with cerebral cavernous malformations (PMID: 19099113). This variant is not present in population databases (ExAC no frequency). This sequence change creates a premature translational stop signal (p.Trp688*) in the KRIT1 gene. It is expected to result in an absent or disrupted protein product. Loss-of-function variants in KRIT1 are known to be pathogenic (PMID: 10508515, 11222804, 12404106, 24689081).

Literature cited by the submitters: PubMed 19099113 (cited by Dasa and Labcorp Genetics (formerly Invitae), Labcorp); PubMed 10508515 (cited by Labcorp Genetics (formerly Invitae), Labcorp); PubMed 11222804 (cited by Labcorp Genetics (formerly Invitae), Labcorp); PubMed 12404106 (cited by Labcorp Genetics (formerly Invitae), Labcorp); PubMed 24689081 (cited by Labcorp Genetics (formerly Invitae), Labcorp).